The following is an entry in ClinVar:

ClinVar aggregate classification (germline): Uncertain significance (1 of 4 stars; one submission).

Submission:

Center for Pediatric Genomic Medicine, Children's Mercy Hospital and Clinics
Classification: Uncertain significance. Last evaluated: 2016-11-22. Review status: criteria provided, single submitter. Criteria: ACMG Guidelines, 2015. Collection method: clinical testing. Allele origin: germline.
ClinVar note: Converted during submission from Uncertain Significance to Uncertain significance.

NM_031206.7(LAS1L):c.1505G>C (p.Arg502Pro)

Gene: LAS1L (LAS1 like ribosome biogenesis factor; minus strand). Cytogenetic location: Xq12.
Variant type: single nucleotide variant.
Coding change: c.1505G>C on transcript NM_031206.7 (MANE Select); coding-DNA position 1505, G replaced by C.
Protein change: p.Arg502Pro; replaces arginine 502 with proline.
Molecular consequence: missense variant. On other transcripts: non-coding transcript variant (1).
Genome position (GRCh38, 1-based): chrX:65,518,409, C>G on the plus strand (G>C on the coding strand, the complement: LAS1L is on the minus strand). VCF-style: chrX-65518409-C-G. GRCh37 (hg19) VCF-style: chrX-64738289-C-G.
Other names: c.1454G>C, p.Arg485Pro (NM_001170649.2, NM_001375333.1); c.1328G>C, p.Arg443Pro (NM_001170650.2); c.1505G>C, p.Arg502Pro (NM_001375328.1); c.548G>C, p.Arg183Pro (NM_001375332.1); short protein forms R502P, R443P, R485P, R183P.
Identifiers: ClinVar variation 377109 (VCV000377109.3), dbSNP rs202068829, ClinGen allele CA16603271.